The following is an entry in ClinVar:

NM_001903.5(CTNNA1):c.594G>C (p.Leu198Phe)

Gene: CTNNA1 (catenin alpha 1; plus strand). Cytogenetic location: 5q31.2.
Variant type: single nucleotide variant.
Coding change: c.594G>C on transcript NM_001903.5 (MANE Select); coding-DNA position 594, G replaced by C.
Protein change: p.Leu198Phe; replaces leucine 198 with phenylalanine.
Molecular consequence: missense variant.
Genome position (GRCh38, 1-based): chr5:138,824,535, G>C. VCF-style: chr5-138824535-G-C. GRCh37 (hg19) VCF-style: chr5-138160224-G-C.
Other names: c.594G>C, p.Leu198Phe (NM_001323984.2, NM_001323985.2, NM_001323986.2 and 3 more transcripts); c.285G>C, p.Leu95Phe (NM_001290309.3); c.225G>C, p.Leu75Phe (NM_001290310.3); short protein forms L198F, L75F, L95F.
Identifiers: ClinVar variation 1718711 (VCV001718711.5), dbSNP rs1351489304, ClinGen allele CA361129367.
Genomic context (GRCh38, chr5:138,824,535, plus strand): 5'-TGAGTAAAGCCCATATAAAGAGTGCTCCAATTTCTTGTTTTATTTACTCTTGTAGGAATT[G>C]AAAGATGTTGGCCATCGTGATCAGATGGCTGCAGCTAGAGGAATCCTGCAGAAGAACGTT-3'
Protein context (NP_001894.2, residues 188-208): NIMAAKRQQE[Leu198Phe]KDVGHRDQMA

ClinVar aggregate classification (germline): Uncertain significance (1 of 4 stars; one submission).

Submission:

Labcorp Genetics (formerly Invitae), Labcorp
Classification: Uncertain significance. Last evaluated: 2024-11-10. Review status: criteria provided, single submitter. Criteria: Invitae Variant Classification Sherloc (09022015). Collection method: clinical testing. Allele origin: germline.
Comment: This sequence change replaces leucine, which is neutral and non-polar, with phenylalanine, which is neutral and non-polar, at codon 198 of the CTNNA1 protein (p.Leu198Phe). This variant is not present in population databases (gnomAD no frequency). This variant has not been reported in the literature in individuals affected with CTNNA1-related conditions. ClinVar contains an entry for this variant (Variation ID: 1718711). Invitae Evidence Modeling of protein sequence and biophysical properties (such as structural, functional, and spatial information, amino acid conservation, physicochemical variation, residue mobility, and thermodynamic stability) indicates that this missense variant is expected to disrupt CTNNA1 protein function with a positive predictive value of 80%. In summary, the available evidence is currently insufficient to determine the role of this variant in disease. Therefore, it has been classified as a Variant of Uncertain Significance.